The following is an entry in ClinVar:

ClinVar aggregate classification (germline): Uncertain significance (1 of 4 stars; one submission).

Submission:

Ambry Genetics
Classification: Uncertain significance. Last evaluated: 2022-06-20. Review status: criteria provided, single submitter. Criteria: Ambry Variant Classification Scheme 2023. Collection method: clinical testing. Allele origin: germline.
Comment: The p.F789L variant (also known as c.2367T>G), located in coding exon 12 of the PALLD gene, results from a T to G substitution at nucleotide position 2367. The phenylalanine at codon 789 is replaced by leucine, an amino acid with highly similar properties. This amino acid position is conserved. In addition, the in silico prediction for this alteration is inconclusive. Since supporting evidence is limited at this time, the clinical significance of this alteration remains unclear.

NM_001166108.2(PALLD):c.2418T>G (p.Phe806Leu)

Genes: CBR4 (carbonyl reductase 4; minus strand), PALLD (palladin, cytoskeletal associated protein; plus strand). Cytogenetic location: 4q32.3.
Variant type: single nucleotide variant.
Coding change: c.2418T>G on transcript NM_001166108.2 (MANE Select); coding-DNA position 2418, T replaced by G.
Protein change: p.Phe806Leu; replaces phenylalanine 806 with leucine.
Molecular consequence: missense variant.
Genome position (GRCh38, 1-based): chr4:168,898,660, T>G. VCF-style: chr4-168898660-T-G. GRCh37 (hg19) VCF-style: chr4-169819811-T-G.
Other names: c.1221T>G, p.Phe407Leu (NM_001166109.2); c.906T>G, p.Phe302Leu (NM_001166110.2); c.246T>G, p.Phe82Leu (NM_001367567.1, NM_001367569.1); c.297T>G, p.Phe99Leu (NM_001367568.1, NM_001367570.1); c.2367T>G, p.Phe789Leu (NM_016081.4); short protein forms F99L, F806L, F789L, F302L, F407L, F82L.
Identifiers: ClinVar variation 1790239 (VCV001790239.2), dbSNP rs2533736172, ClinGen allele CA358799095.